The following is an entry in ClinVar:

NM_024598.4(USB1):c.665T>C (p.Leu222Pro)

Gene: USB1 (U6 snRNA biogenesis phosphodiesterase 1; plus strand). Cytogenetic location: 16q21.
Variant type: single nucleotide variant.
Coding change: c.665T>C on transcript NM_024598.4 (MANE Select); coding-DNA position 665, T replaced by C.
Protein change: p.Leu222Pro; replaces leucine 222 with proline.
Molecular consequence: missense variant.
Genome position (GRCh38, 1-based): chr16:58,019,027, T>C. VCF-style: chr16-58019027-T-C. GRCh37 (hg19) VCF-style: chr16-58052931-T-C.
Other names: c.611T>C, p.Leu204Pro (NM_001195302.2); c.512T>C, p.Leu171Pro (NM_001330568.2); short protein forms L171P, L204P, L222P.
Identifiers: ClinVar variation 4866374 (VCV004866374.1).
Genomic context (GRCh38, chr16:58,019,027, plus strand): 5'-CCCAGGATCCTTCTTTCCACCTCAGCCTGGCCTGGTGTGTGGGTGATGCACGTCTCCAGC[T>C]GGAGGGGCAGTGCCTGCAGGAACTACAGGTGAATTTCCAGGGCGGGAGCACAGAGGGCGC-3'
Protein context (NP_078874.2, residues 212-232): AWCVGDARLQ[Leu222Pro]EGQCLQELQA

ClinVar aggregate classification (germline): Uncertain significance (1 of 4 stars; one submission).

Conditions:
Inborn genetic diseases. Identifiers: MedGen C0950123, MeSH D030342.

gnomAD v4.1: 1 of 1,614,140 alleles (0.000062%); no homozygotes.

Submission:

Ambry Genetics
Classification: Uncertain significance for Inborn genetic diseases. Last evaluated: 2026-06-08. Review status: criteria provided, single submitter. Criteria: Ambry Variant Classification Scheme 2023. Collection method: clinical testing. Allele origin: germline.
Comment: The p.L222P variant (also known as c.665T>C), located in coding exon 6 of the USB1 gene, results from a T to C substitution at nucleotide position 665. The leucine at codon 222 is replaced by proline, an amino acid with similar properties. This amino acid position is conserved. In addition, the in silico prediction for this alteration is inconclusive. Based on the available evidence, the clinical significance of this variant remains unclear.